The following is an entry in ClinVar:

NM_006389.5(HYOU1):c.2975G>A (p.Arg992Gln)

Gene: HYOU1 (hypoxia up-regulated 1; minus strand). Cytogenetic location: 11q23.3.
Variant type: single nucleotide variant.
Coding change: c.2975G>A on transcript NM_006389.5 (MANE Select); coding-DNA position 2975, G replaced by A.
Protein change: p.Arg992Gln; replaces arginine 992 with glutamine.
Molecular consequence: missense variant.
Genome position (GRCh38, 1-based): chr11:119,045,618, C>T on the plus strand (G>A on the coding strand, the complement: HYOU1 is on the minus strand). VCF-style: chr11-119045618-C-T.
Other names: c.2975G>A, p.Arg992Gln (NM_001130991.3); c.2978G>A, p.Arg993Gln (NM_001411041.1); short protein forms R993Q, R992Q.
Identifiers: ClinVar variation 3859185 (VCV003859185.1), dbSNP rs782459894, ClinGen allele CA229615718.

ClinVar aggregate classification (germline): Uncertain significance. Review status: criteria provided, multiple submitters, no conflicts (2 of 4 stars). 2 submissions from 2 submitters: Uncertain significance (2). Last evaluated 2025-01-22.

gnomAD v4.1: 26 of 1,614,192 alleles (0.0016%); highest among the groups gnomAD compares: South Asian, 0.014%; 1 homozygote.

Submissions (2):

Ambry Genetics
Classification: Uncertain significance. Last evaluated: 2025-01-22. Review status: criteria provided, single submitter. Criteria: Ambry Variant Classification Scheme 2023. Collection method: clinical testing. Allele origin: germline.

Labcorp Genetics (formerly Invitae), Labcorp
Classification: Uncertain significance. Last evaluated: 2024-06-30. Review status: criteria provided, single submitter. Criteria: Invitae Variant Classification Sherloc (09022015). Collection method: clinical testing. Allele origin: germline.
Comment: This sequence change replaces arginine, which is basic and polar, with glutamine, which is neutral and polar, at codon 992 of the HYOU1 protein (p.Arg992Gln). This variant is present in population databases (rs782459894, gnomAD 0.01%). This variant has not been reported in the literature in individuals affected with HYOU1-related conditions. Algorithms developed to predict the effect of missense changes on protein structure and function output the following: SIFT: "Not Available"; PolyPhen-2: "Benign"; Align-GVGD: "Not Available". The glutamine amino acid residue is found in multiple mammalian species, which suggests that this missense change does not adversely affect protein function. In summary, the available evidence is currently insufficient to determine the role of this variant in disease. Therefore, it has been classified as a Variant of Uncertain Significance.